The following is an entry in ClinVar:

ClinVar aggregate classification (germline): Likely pathogenic. Review status: criteria provided, multiple submitters, no conflicts (2 of 4 stars). 3 submissions from 3 submitters: Likely pathogenic (3). Last evaluated 2024-10-17.

Conditions:
Hereditary cancer-predisposing syndrome. Also called: Hereditary Cancer Syndrome; Hereditary neoplastic syndrome; Neoplastic Syndromes, Hereditary; Tumor predisposition. Identifiers: Orphanet 140162, MedGen C0027672, MeSH D009386, MONDO:0015356.
Familial cancer of breast. Also called: BREAST CANCER, FAMILIAL; Hereditary breast cancer; hereditary breast carcinoma. Identifiers: Orphanet 227535, MedGen C0346153, MONDO:0016419, OMIM 114480. Disease mechanism: loss of function.

Submissions (3):

Ambry Genetics
Classification: Likely pathogenic for Hereditary cancer-predisposing syndrome. Last evaluated: 2024-10-17. Review status: criteria provided, single submitter. Criteria: Ambry Variant Classification Scheme 2023. Collection method: clinical testing. Allele origin: germline.
Comment: The c.1568+1G>T intronic variant results from a G to T substitution one nucleotide after coding exon 6 of the BARD1 gene. This variant is considered to be rare based on population cohorts in the Genome Aggregation Database (gnomAD). This nucleotide position is highly conserved in available vertebrate species. In silico splice site analysis predicts that this alteration will weaken the native splice donor site; however, direct evidence is insufficient at this time (Ambry internal data). Alterations that disrupt the canonical splice site are expected to cause aberrant splicing, resulting in an abnormal protein or a transcript that is subject to nonsense-mediated mRNA decay. As such, this alteration is classified as likely pathogenic.

Labcorp Genetics (formerly Invitae), Labcorp
Classification: Likely pathogenic for Familial cancer of breast. Last evaluated: 2023-09-03. Review status: criteria provided, single submitter. Criteria: Invitae Variant Classification Sherloc (09022015). Collection method: clinical testing. Allele origin: germline.
Comment: In summary, the currently available evidence indicates that the variant is pathogenic, but additional data are needed to prove that conclusively. Therefore, this variant has been classified as Likely Pathogenic. Algorithms developed to predict the effect of sequence changes on RNA splicing suggest that this variant may disrupt the consensus splice site. ClinVar contains an entry for this variant (Variation ID: 1775410). This variant has not been reported in the literature in individuals affected with BARD1-related conditions. This variant is not present in population databases (gnomAD no frequency). This sequence change affects a donor splice site in intron 6 of the BARD1 gene. It is expected to disrupt RNA splicing. Variants that disrupt the donor or acceptor splice site typically lead to a loss of protein function (PMID: 16199547), and loss-of-function variants in BARD1 are known to be pathogenic (PMID: 20077502, 21344236).

Myriad Genetics, Inc.
Classification: Likely pathogenic for Familial cancer of breast. Last evaluated: 2023-05-23. Review status: criteria provided, single submitter. Criteria: Myriad Autosomal Dominant, Autosomal Recessive and X-Linked Classification Criteria (2023). Collection method: clinical testing. Allele origin: unknown.
Comment: This variant is considered likely pathogenic. This variant occurs within a consensus splice junction and is predicted to result in abnormal mRNA splicing of either an out-of-frame exon or an in-frame exon necessary for protein stability and/or normal function.

Literature cited by the submitters: PubMed 16199547 (cited by Labcorp Genetics (formerly Invitae), Labcorp); PubMed 20077502 (cited by Labcorp Genetics (formerly Invitae), Labcorp); PubMed 21344236 (cited by Labcorp Genetics (formerly Invitae), Labcorp).

NM_000465.4(BARD1):c.1568+1G>T

Gene: BARD1 (BRCA1 associated RING domain 1; minus strand). Cytogenetic location: 2q35.
Variant type: single nucleotide variant.
Coding change: c.1568+1G>T on transcript NM_000465.4 (MANE Select); the canonical splice donor site of the intron after coding-DNA position 1568, G replaced by T.
Molecular consequence: splice donor variant. On other transcripts: intron variant (3).
Genome position (GRCh38, 1-based): chr2:214,767,481, C>A on the plus strand (G>T on the coding strand, the complement: BARD1 is on the minus strand). VCF-style: chr2-214767481-C-A. GRCh37 (hg19) VCF-style: chr2-215632205-C-A.
Other names: c.159-14926G>T (NM_001282548.2); c.1511+1G>T (NM_001282543.2); c.216-14926G>T (NM_001282545.2); c.364+24816G>T (NM_001282549.2).
Identifiers: ClinVar variation 1775410 (VCV001775410.8), dbSNP rs2106076135, ClinGen allele CA350448059.
Genomic context (GRCh38, chr2:214,767,481, plus strand): 5'-CACACCTTGATTCAAGAATATAGGTCCATTTTAAAAATAATTTTTACGTTGAACTACTTA[C>A]ACAGCATTTCTGGAGGCTCCATAGGAAAGTAACAGCTTGACTATATCCACATGCCCATTC-3'